The following is an entry in ClinVar:

NM_002256.4(KISS1):c.58G>A (p.Glu20Lys)

Gene: KISS1 (KiSS-1 metastasis suppressor; minus strand). Cytogenetic location: 1q32.1.
Variant type: single nucleotide variant.
Coding change: c.58G>A on transcript NM_002256.4 (MANE Select); coding-DNA position 58, G replaced by A.
Protein change: p.Glu20Lys; replaces glutamic acid 20 with lysine.
Molecular consequence: missense variant.
Genome position (GRCh38, 1-based): chr1:204,192,819, C>T on the plus strand (G>A on the coding strand, the complement: KISS1 is on the minus strand). VCF-style: chr1-204192819-C-T. GRCh37 (hg19) VCF-style: chr1-204161947-C-T.
Other names: short protein forms E20K.
Identifiers: ClinVar variation 1247304 (VCV001247304.11), dbSNP rs12998, ClinGen allele CA1345214.

ClinVar aggregate classification (germline): Benign. Review status: criteria provided, multiple submitters, no conflicts (2 of 4 stars). 3 submissions from 3 submitters: Benign (3). Last evaluated 2026-02-04.

Allele frequency attached by ClinVar (database versions not stated): 1000 Genomes Project 30x 0.02249; 1000 Genomes Project 0.02316; ESP Exome Variant Server 0.02527; TOPMed 0.02650; gnomAD 0.02896 and 0.02976; gnomAD exomes 0.03256 and 0.03902; ExAC 0.04895.
gnomAD v4.1: 60,996 of 1,599,480 alleles (3.8%); highest among the groups gnomAD compares: Middle Eastern, 4.7%; 1,269 homozygotes.

Submissions (3):

Labcorp Genetics (formerly Invitae), Labcorp
Classification: Benign. Last evaluated: 2026-02-04. Review status: criteria provided, single submitter. Criteria: Invitae Variant Classification Sherloc (09022015). Collection method: clinical testing. Allele origin: germline.

GeneDx
Classification: Benign. Last evaluated: 2015-03-03. Review status: criteria provided, single submitter. Criteria: GeneDx Variant Classification Process June 2021. Collection method: clinical testing. Allele origin: germline. Affected: yes.
Comment: This variant is associated with the following publications: (PMID: 26015864)

Breakthrough Genomics
Classification: Benign. Review status: criteria provided, single submitter. Criteria: ACMG Guidelines, 2015. Collection method: not provided. Allele origin: germline. Inheritance: Autosomal recessive inheritance. Affected: yes.